The following is an entry in ClinVar:

ClinVar aggregate classification (germline): Conflicting classifications of pathogenicity. Review status: criteria provided, conflicting classifications (1 of 4 stars). 2 submissions from 2 submitters: Uncertain significance (1); Likely benign (1). Last evaluated 2025-07-30.

Conditions:
LAMA2-related muscular dystrophy (LAMA2-RD). Also called: Laminin alpha 2-related dystrophy. Identifiers: MedGen C5679788, MONDO:0100228.

Submissions (2):

Labcorp Genetics (formerly Invitae), Labcorp
Classification: Likely benign for LAMA2-related muscular dystrophy. Last evaluated: 2025-07-30. Review status: criteria provided, single submitter. Criteria: Invitae Variant Classification Sherloc (09022015). Collection method: clinical testing. Allele origin: germline.

GeneDx
Classification: Uncertain significance. Last evaluated: 2023-11-22. Review status: criteria provided, single submitter. Criteria: GeneDx Variant Classification Process June 2021. Collection method: clinical testing. Allele origin: germline. Affected: yes.
Comment: Not observed at significant frequency in large population cohorts (gnomAD); Has not been previously published as pathogenic or benign to our knowledge; In silico analysis is inconclusive as to whether the variant alters gene splicing. In the absence of RNA/functional studies, the actual effect of this sequence change is unknown.

NM_000426.4(LAMA2):c.7301-13_7301-10del

Gene: LAMA2 (laminin subunit alpha 2; plus strand). Cytogenetic location: 6q22.33.
Variant type: Microsatellite.
Coding change: c.7301-13_7301-10del on transcript NM_000426.4 (MANE Select); 13 bases into the intron before coding-DNA position 7301 through 10 bases into the intron before coding-DNA position 7301, 4 bases deleted (TTCT; older notation c.7301-13_7301-10delTTCT).
Molecular consequence: intron variant.
Genome position (GRCh38, 1-based): chr6:129,473,201-129,473,204, TTCT deleted; deleting any 4 consecutive bases within chr6:129,473,195-129,473,204 gives the same sequence; the c. name uses the placement nearest the transcript's 3' end. VCF-style (leftmost placement, unchanged base first): chr6-129473194-ACTTT-A. GRCh37 (hg19) VCF-style: chr6-129794339-ACTTT-A.
Other names: c.7301-13_7301-10del (NM_001079823.2).
Identifiers: ClinVar variation 1461419 (VCV001461419.9), dbSNP rs756622196, ClinGen allele CA3994509.